The following is an entry in ClinVar:

ClinVar aggregate classification (germline): Conflicting classifications of pathogenicity. Review status: criteria provided, conflicting classifications (1 of 4 stars). 2 submissions from 2 submitters: Uncertain significance (1); Likely benign (1). Last evaluated 2024-11-26.

Conditions:
Inborn genetic diseases. Identifiers: MedGen C0950123, MeSH D030342.

Submissions (2):

Ambry Genetics
Classification: Likely benign for Inborn genetic diseases. Last evaluated: 2024-11-26. Review status: criteria provided, single submitter. Criteria: Ambry Variant Classification Scheme 2023. Collection method: clinical testing. Allele origin: germline.

Labcorp Genetics (formerly Invitae), Labcorp
Classification: Uncertain significance. Last evaluated: 2024-11-19. Review status: criteria provided, single submitter. Criteria: Invitae Variant Classification Sherloc (09022015). Collection method: clinical testing. Allele origin: germline.
Comment: This sequence change replaces serine, which is neutral and polar, with leucine, which is neutral and non-polar, at codon 160 of the TMPRSS3 protein (p.Ser160Leu). This variant is present in population databases (rs769146338, gnomAD 0.004%). This variant has not been reported in the literature in individuals affected with TMPRSS3-related conditions. Invitae Evidence Modeling of protein sequence and biophysical properties (such as structural, functional, and spatial information, amino acid conservation, physicochemical variation, residue mobility, and thermodynamic stability) indicates that this missense variant is not expected to disrupt TMPRSS3 protein function with a negative predictive value of 95%. In summary, the available evidence is currently insufficient to determine the role of this variant in disease. Therefore, it has been classified as a Variant of Uncertain Significance.

NM_001256317.3(TMPRSS3):c.479C>T (p.Ser160Leu)

Gene: TMPRSS3 (transmembrane serine protease 3; minus strand). Cytogenetic location: 21q22.3.
Variant type: single nucleotide variant.
Coding change: c.479C>T on transcript NM_001256317.3 (MANE Select); coding-DNA position 479, C replaced by T.
Protein change: p.Ser160Leu; replaces serine 160 with leucine.
Molecular consequence: missense variant.
Genome position (GRCh38, 1-based): chr21:42,385,502, G>A on the plus strand (C>T on the coding strand, the complement: TMPRSS3 is on the minus strand). VCF-style: chr21-42385502-G-A. GRCh37 (hg19) VCF-style: chr21-43805611-G-A.
Other names: c.479C>T, p.Ser160Leu (NM_024022.4, NM_032405.2); c.98C>T, p.Ser33Leu (NM_032404.3); short protein forms S33L, S160L.
Identifiers: ClinVar variation 3458857 (VCV003458857.3).
Genomic context (GRCh38, chr21:42,385,502, plus strand): 5'-TTGTCATCTGGCAAGAGGTGATCGATGGACACAAACTCCTCCCGGAACTGCCCCTCCAGC[G>A]AGCTCACTCTGAGGTTATCTGAACTCACATAGCTGCAAGCACATTGGAAAGACAGACCCG-3'
Protein context (NP_001243246.1, residues 150-170): YVSSDNLRVS[Ser160Leu]LEGQFREEFV